The following is an entry in ClinVar:

NM_000143.4(FH):c.1391-6C>G

Gene: FH (fumarate hydratase; minus strand). Cytogenetic location: 1q43.
Variant type: single nucleotide variant.
Coding change: c.1391-6C>G on transcript NM_000143.4 (MANE Select); 6 bases into the intron before coding-DNA position 1391, C replaced by G.
Molecular consequence: intron variant.
Genome position (GRCh38, 1-based): chr1:241,497,976, G>C on the plus strand (C>G on the coding strand, the complement: FH is on the minus strand). VCF-style: chr1-241497976-G-C. GRCh37 (hg19) VCF-style: chr1-241661276-G-C.
Identifiers: ClinVar variation 2397835 (VCV002397835.2), dbSNP rs201041412, ClinGen allele CA2497030219.

ClinVar aggregate classification (germline): Uncertain significance (1 of 4 stars; one submission).

Conditions:
Hereditary cancer-predisposing syndrome. Also called: Hereditary Cancer Syndrome; Hereditary neoplastic syndrome; Neoplastic Syndromes, Hereditary; Tumor predisposition. Identifiers: Orphanet 140162, MedGen C0027672, MeSH D009386, MONDO:0015356.

Submission:

Ambry Genetics
Classification: Uncertain significance for Hereditary cancer-predisposing syndrome. Last evaluated: 2021-03-22. Review status: criteria provided, single submitter. Criteria: Ambry Variant Classification Scheme 2023. Collection method: clinical testing. Allele origin: germline.
Comment: The c.1391-6C>G intronic alteration consists of a C to G substitution 6 nucleotides before exon 10 (coding exon 10) of the FH gene. Based on insufficient or conflicting evidence, the clinical significance of this alteration remains unclear.